The following is an entry in ClinVar:

ClinVar aggregate classification (germline): Uncertain significance (1 of 4 stars; one submission).

Allele frequency attached by ClinVar (database versions not stated): TOPMed 0.00017; gnomAD 0.00018.
gnomAD v4.1: 27 of 152,240 alleles (0.018%); highest among the groups gnomAD compares: Non-Finnish European, 0.034%; no homozygotes.

Submission:

Institute for Clinical Genetics, University Hospital TU Dresden, University Hospital TU Dresden
Classification: Uncertain significance. Last evaluated: 2022-08-25. Review status: criteria provided, single submitter. Criteria: ACMG Guidelines, 2015. Collection method: clinical testing. Allele origin: germline.
Comment: PM2_SUP

NM_000350.3(ABCA4):c.67-2830C>T

Gene: ABCA4 (ATP binding cassette subfamily A member 4; minus strand). Cytogenetic location: 1p22.1.
Variant type: single nucleotide variant.
Coding change: c.67-2830C>T on transcript NM_000350.3 (MANE Select); 2830 bases into the intron before coding-DNA position 67, C replaced by T.
Molecular consequence: intron variant.
Genome position (GRCh38, 1-based): chr1:94,115,896, G>A on the plus strand (C>T on the coding strand, the complement: ABCA4 is on the minus strand). VCF-style: chr1-94115896-G-A. GRCh37 (hg19) VCF-style: chr1-94581452-G-A.
Identifiers: ClinVar variation 2576022 (VCV002576022.1), dbSNP rs748178967, ClinGen allele CA26843495.